The following is an entry in ClinVar:

ClinVar aggregate classification (germline): Pathogenic (1 of 4 stars; one submission).

Submission:

Labcorp Genetics (formerly Invitae), Labcorp
Classification: Pathogenic. Last evaluated: 2024-05-17. Review status: criteria provided, single submitter. Criteria: Invitae Variant Classification Sherloc (09022015). Collection method: clinical testing. Allele origin: germline.
Comment: This sequence change creates a premature translational stop signal (p.His3030Leufs*29) in the SZT2 gene. It is expected to result in an absent or disrupted protein product. Loss-of-function variants in SZT2 are known to be pathogenic (PMID: 23932106, 27248490, 28556953). This variant is not present in population databases (gnomAD no frequency). This variant has not been reported in the literature in individuals affected with SZT2-related conditions. For these reasons, this variant has been classified as Pathogenic.

Literature cited by the submitters: PubMed 23932106; PubMed 27248490; PubMed 28556953.

NM_001365999.1(SZT2):c.9260_9261del (p.His3087fs)

Gene: SZT2 (SZT2 subunit of KICSTOR complex; plus strand). Cytogenetic location: 1p34.2.
Variant type: Deletion.
Coding change: c.9260_9261del on transcript NM_001365999.1 (MANE Select); coding-DNA positions 9260 to 9261, 2 bases deleted (AC; older notation c.9260_9261delAC).
Protein change: p.His3087fs; shifts the reading frame from histidine 3087.
Molecular consequence: frameshift variant.
Genome position (GRCh38, 1-based): chr1:43,447,142-43,447,143, AC deleted; deleting any 2 consecutive bases within chr1:43,447,141-43,447,143 gives the same sequence; the c. name uses the placement nearest the transcript's 3' end. VCF-style (leftmost placement, unchanged base first): chr1-43447140-CCA-C. GRCh37 (hg19) VCF-style: chr1-43912811-CCA-C.
Other names: c.9089_9090del, p.His3030fs (NM_015284.4); short protein forms H3087fs, H3030fs.
Identifiers: ClinVar variation 3673387 (VCV003673387.2).